The following is an entry in ClinVar:

NM_001430.5(EPAS1):c.691C>A (p.His231Asn)

Genes: EPAS1 (endothelial PAS domain protein 1; plus strand), LOC126806210 (BRD4-independent group 4 enhancer GRCh37_chr2:46587586-46588785; plus strand). Cytogenetic location: 2p21.
Variant type: single nucleotide variant.
Coding change: c.691C>A on transcript NM_001430.5 (MANE Select); coding-DNA position 691, C replaced by A.
Protein change: p.His231Asn; replaces histidine 231 with asparagine.
Molecular consequence: missense variant.
Genome position (GRCh38, 1-based): chr2:46,361,002, C>A. VCF-style: chr2-46361002-C-A. GRCh37 (hg19) VCF-style: chr2-46588141-C-A.
Other names: short protein forms H231N.
Identifiers: ClinVar variation 1756153 (VCV001756153.2), dbSNP rs2103637087, ClinGen allele CA346700156.
Genomic context (GRCh38, chr2:46,361,002, plus strand): 5'-CTGTGTGGCTACAAGGAGCCCCTGCTGTCCTGCCTCATCATCATGTGTGAACCAATCCAG[C>A]ACCCATCCCACATGGACATCCCCCTGGATAGCAAGACCTTCCTGAGCCGCCACAGCATGG-3'
Protein context (NP_001421.2, residues 221-241): CLIIMCEPIQ[His231Asn]PSHMDIPLDS

ClinVar aggregate classification (germline): Uncertain significance (1 of 4 stars; one submission).

Conditions:
Inborn genetic diseases. Identifiers: MedGen C0950123, MeSH D030342.

Submission:

Ambry Genetics
Classification: Uncertain significance for Inborn genetic diseases. Last evaluated: 2022-01-12. Review status: criteria provided, single submitter. Criteria: Ambry Variant Classification Scheme 2023. Collection method: clinical testing. Allele origin: germline.
Comment: The p.H231N variant (also known as c.691C>A), located in coding exon 6 of the EPAS1 gene, results from a C to A substitution at nucleotide position 691. The histidine at codon 231 is replaced by asparagine, an amino acid with similar properties. This amino acid position is conserved. In addition, this alteration is predicted to be tolerated by in silico analysis. Since supporting evidence is limited at this time, the clinical significance of this alteration remains unclear.